The following is an entry in ClinVar:

ClinVar aggregate classification (germline): Uncertain significance. Review status: criteria provided, multiple submitters, no conflicts (2 of 4 stars). 4 submissions from 4 submitters: Uncertain significance (4). Last evaluated 2025-03-29.

Conditions:
TTN-related disorder. Also called: TTN-related disorders; TTN-related condition; TTN-related disease.

Allele frequency attached by ClinVar (database versions not stated): TOPMed 0.00001; gnomAD 0.00002; ExAC 0.00004; gnomAD exomes 0.00004; ESP Exome Variant Server 0.00016.
gnomAD v4.1: 65 of 1,613,652 alleles (0.004%); highest among the groups gnomAD compares: Admixed American, 0.0067%; no homozygotes.

Submissions (4):

PreventionGenetics, part of Exact Sciences
Classification: Uncertain significance for TTN-related condition. Last evaluated: 2025-03-29. Review status: criteria provided, single submitter. Criteria: ACMG Guidelines, 2015. Collection method: clinical testing. Allele origin: germline.
Comment: The TTN c.98861C>T variant is predicted to result in the amino acid substitution p.Thr32954Ile. To our knowledge, this variant has not been reported in the literature. This variant is reported in 0.019% of alleles in individuals of African descent in gnomAD. At this time, the clinical significance of this variant is uncertain due to the absence of conclusive functional and genetic evidence.

Revvity Omics, Revvity
Classification: Uncertain significance. Last evaluated: 2019-09-04. Review status: criteria provided, single submitter. Criteria: ACMG Guidelines, 2015. Collection method: clinical testing. Allele origin: germline.

CeGaT Center for Human Genetics Tuebingen
Classification: Uncertain significance. Last evaluated: 2016-06-01. Review status: criteria provided, single submitter. Criteria: CeGaT Center For Human Genetics Tuebingen Variant Classification Criteria Version 2. Collection method: clinical testing. Allele origin: germline. Affected: yes. Observed: 1 variant allele.

Eurofins Ntd Llc (ga)
Classification: Uncertain significance. Last evaluated: 2015-09-03. Review status: criteria provided, single submitter. Criteria: EGL Classification Definitions 2015. Collection method: clinical testing. Allele origin: germline. Observed: 1 variant allele, 1 heterozygote.

NM_001267550.2(TTN):c.98861C>T (p.Thr32954Ile)

Genes: TTN (titin; minus strand), TTN-AS1 (TTN antisense RNA 1; plus strand). Cytogenetic location: 2q31.2.
Variant type: single nucleotide variant.
Coding change: c.98861C>T on transcript NM_001267550.2 (MANE Select); coding-DNA position 98861, C replaced by T.
Protein change: p.Thr32954Ile; replaces threonine 32954 with isoleucine.
Molecular consequence: missense variant. On other transcripts: non-coding transcript variant (1).
Genome position (GRCh38, 1-based): chr2:178,539,074, G>A on the plus strand (C>T on the coding strand, the complement: TTN is on the minus strand). VCF-style: chr2-178539074-G-A. GRCh37 (hg19) VCF-style: chr2-179403801-G-A.
Other names: c.93938C>T, p.Thr31313Ile (NM_001256850.1); c.71666C>T, p.Thr23889Ile (NM_003319.4); c.91157C>T, p.Thr30386Ile (NM_133378.4); c.72041C>T, p.Thr24014Ile (NM_133432.3); c.72242C>T, p.Thr24081Ile (NM_133437.4); short protein forms T32954I, T30386I, T31313I, T24014I, T24081I, T23889I.
Identifiers: ClinVar variation 283016 (VCV000283016.51), dbSNP rs372126622, ClinGen allele CA1986300.
Genomic context (GRCh38, chr2:178,539,074, plus strand): 5'-GCGATGATGCGGAACTGATACTCAGCATCGGGAACAAGCCCTGTGACAGTGTACATTGTG[G>A]TGGTGATCTGAGTCTTGTTGTGTCTGACCCACTTGTCAGTGGATGTCTCTTTGCGTTCGA-3'
Protein context (NP_001254479.2, residues 32944-32964): WVRHNKTQIT[Thr32954Ile]TMYTVTGLVP